The following is an entry in ClinVar:

ClinVar aggregate classification (germline): Conflicting classifications of pathogenicity. Review status: criteria provided, conflicting classifications (1 of 4 stars). 3 submissions from 3 submitters: Uncertain significance (1); Likely benign (1). 1 of the submissions does not count toward it. Last evaluated 2025-11-17.

Conditions:
BUB1B-related disorder. Also called: BUB1B-related condition.
Mosaic variegated aneuploidy syndrome 1 (MVA1). Also called: Warburton-Anyane-Yeboa syndrome. Identifiers: Orphanet 1052, MedGen C1850343, MONDO:0009759, OMIM 257300.

Allele frequency attached by ClinVar (database versions not stated): gnomAD 0.00011 and 0.00012; gnomAD exomes 0.00011 and 0.00024; ESP Exome Variant Server 0.00015; TOPMed 0.00017; ExAC 0.00019; 1000 Genomes Project 30x 0.00031; 1000 Genomes Project 0.00040.
gnomAD v4.1: 199 of 1,613,792 alleles (0.012%); highest among the groups gnomAD compares: Admixed American, 0.023%; no homozygotes.

Submissions (3):

Labcorp Genetics (formerly Invitae), Labcorp
Classification: Likely benign for Mosaic variegated aneuploidy syndrome 1. Last evaluated: 2025-11-17. Review status: criteria provided, single submitter. Criteria: Invitae Variant Classification Sherloc (09022015). Collection method: clinical testing. Allele origin: germline.

Institute for Clinical Genetics, University Hospital TU Dresden, University Hospital TU Dresden
Classification: Uncertain significance. Last evaluated: 2021-11-03. Review status: criteria provided, single submitter. Criteria: ACMG Guidelines, 2015. Collection method: clinical testing. Allele origin: germline.

PreventionGenetics, part of Exact Sciences
Classification: Likely benign for BUB1B-related condition. Last evaluated: 2022-04-01. Review status: no assertion criteria provided. Collection method: clinical testing. Allele origin: germline. Not counted in ClinVar's aggregate classification.
Comment: This variant is classified as likely benign based on ACMG/AMP sequence variant interpretation guidelines (Richards et al. 2015 PMID: 25741868, with internal and published modifications).

NM_001211.6(BUB1B):c.1261C>T (p.Arg421Trp)

Gene: BUB1B (BUB1 mitotic checkpoint serine/threonine kinase B; plus strand). Cytogenetic location: 15q15.1.
Variant type: single nucleotide variant.
Coding change: c.1261C>T on transcript NM_001211.6 (MANE Select); coding-DNA position 1261, C replaced by T.
Protein change: p.Arg421Trp; replaces arginine 421 with tryptophan.
Molecular consequence: missense variant.
Genome position (GRCh38, 1-based): chr15:40,196,747, C>T. VCF-style: chr15-40196747-C-T. GRCh37 (hg19) VCF-style: chr15-40488948-C-T.
Other names: short protein forms R421W.
Identifiers: ClinVar variation 465359 (VCV000465359.17), dbSNP rs201251790, ClinGen allele CA7475681.